The following is an entry in ClinVar:

ClinVar aggregate classification (germline): Likely benign (0 of 4 stars; one submission).

Conditions:
VIL1-related disorder. Also called: VIL1-related condition.

Allele frequency attached by ClinVar (database versions not stated): ExAC 0.00002; gnomAD exomes 0.00002; TOPMed 0.00002; gnomAD 0.00003; ESP Exome Variant Server 0.00008.

Submission:

PreventionGenetics, part of Exact Sciences
Classification: Likely benign for VIL1-related condition. Last evaluated: 2019-07-12. Review status: no assertion criteria provided. Collection method: clinical testing. Allele origin: germline.
Comment: This variant is classified as likely benign based on ACMG/AMP sequence variant interpretation guidelines (Richards et al. 2015 PMID: 25741868, with internal and published modifications).

NM_007127.3(VIL1):c.568-3C>T

Gene: VIL1 (villin 1; plus strand). Cytogenetic location: 2q35.
Variant type: single nucleotide variant.
Coding change: c.568-3C>T on transcript NM_007127.3 (MANE Select); 3 bases into the intron before coding-DNA position 568, C replaced by T.
Molecular consequence: intron variant.
Genome position (GRCh38, 1-based): chr2:218,429,282, C>T. VCF-style: chr2-218429282-C-T. GRCh37 (hg19) VCF-style: chr2-219294005-C-T.
Identifiers: ClinVar variation 3049980 (VCV003049980.2), dbSNP rs374010170, ClinGen allele CA2106127.